The following is an entry in ClinVar:

ClinVar aggregate classification (germline): Likely benign. Review status: criteria provided, multiple submitters, no conflicts (2 of 4 stars). 3 submissions from 3 submitters: Likely benign (3). Last evaluated 2023-04-11.

Conditions:
Deficiency of hydroxymethylglutaryl-CoA lyase (HMGCLD). Also called: Defect in leucine metabolism; 3-hydroxy-3-methylglutaric aciduria; HMG-CoA LYASE DEFICIENCY; HMGCL DEFICIENCY; HYDROXYMETHYLGLUTARIC ACIDURIA. Identifiers: Orphanet 20, MedGen C1533587, MONDO:0009520, OMIM 246450.

Allele frequency attached by ClinVar (database versions not stated): gnomAD 0.00929; TOPMed 0.01019; 1000 Genomes Project 0.01558; 1000 Genomes Project 30x 0.00953.

Submissions (3):

Genome-Nilou Lab
Classification: Likely benign for Deficiency of hydroxymethylglutaryl-CoA lyase. Last evaluated: 2023-04-11. Review status: criteria provided, single submitter. Criteria: ACMG Guidelines, 2015. Collection method: clinical testing. Allele origin: germline. Affected: no.

GeneDx
Classification: Likely benign. Last evaluated: 2018-06-16. Review status: criteria provided, single submitter. Criteria: GeneDx Variant Classification (06012015). Collection method: clinical testing. Allele origin: germline. Affected: yes.
Comment: This variant is considered likely benign or benign based on one or more of the following criteria: it is a conservative change, it occurs at a poorly conserved position in the protein, it is predicted to be benign by multiple in silico algorithms, and/or has population frequency not consistent with disease.

Breakthrough Genomics
Classification: Likely benign. Review status: criteria provided, single submitter. Criteria: ACMG Guidelines, 2015. Collection method: not provided. Allele origin: germline. Inheritance: Autosomal recessive inheritance. Affected: yes.

NM_000191.2(HMGCL):c.-59A>C

Gene: HMGCL (3-hydroxy-3-methylglutaryl-CoA lyase; minus strand). Cytogenetic location: 1p36.11.
Variant type: single nucleotide variant.
Coding change: c.-59A>C on transcript NM_000191.2; 59 bases upstream of the start codon, A replaced by C.
Genome position (GRCh38, 1-based): chr1:23,825,474, T>G on the plus strand (A>C on the coding strand, the complement: HMGCL is on the minus strand). VCF-style: chr1-23825474-T-G. GRCh37 (hg19) VCF-style: chr1-24151964-T-G.
Identifiers: ClinVar variation 368871 (VCV000368871.9), dbSNP rs188188846, ClinGen allele CA10654440.